The following is an entry in ClinVar:

NM_194248.3(OTOF):c.514G>A (p.Gly172Arg)

Gene: OTOF (otoferlin; minus strand). Cytogenetic location: 2p23.3.
Variant type: single nucleotide variant.
Coding change: c.514G>A on transcript NM_194248.3 (MANE Select); coding-DNA position 514, G replaced by A.
Protein change: p.Gly172Arg; replaces glycine 172 with arginine.
Molecular consequence: missense variant.
Genome position (GRCh38, 1-based): chr2:26,503,841, C>T on the plus strand (G>A on the coding strand, the complement: OTOF is on the minus strand). VCF-style: chr2-26503841-C-T. GRCh37 (hg19) VCF-style: chr2-26726709-C-T.
Other names: c.514G>A, p.Gly172Arg (NM_001287489.2); short protein forms G172R.
Identifiers: ClinVar variation 48255 (VCV000048255.5), dbSNP rs397517949, ClinGen allele CA142926.

ClinVar aggregate classification (germline): Uncertain significance (1 of 4 stars; one submission).

Allele frequency attached by ClinVar (database versions not stated): gnomAD 0.00001; gnomAD exomes 0.00001; TOPMed 0.00001.
gnomAD v4.1: 12 of 1,613,956 alleles (0.00074%); highest among the groups gnomAD compares: Non-Finnish European, 0.00093%; no homozygotes.

Submission:

Laboratory for Molecular Medicine, Mass General Brigham Personalized Medicine
Classification: Uncertain significance. Last evaluated: 2010-10-05. Review status: criteria provided, single submitter. Criteria: LMM Criteria. Collection method: clinical testing. Allele origin: germline. Observed: 2 variant alleles.
Comment: Variant classified as Uncertain Significance - Favor Benign. The Gly172Arg varia nt in OTOF has not been reported in the literature nor previously identified by our laboratory. This residue is conserved across species and computational analy ses (PolyPhen, SIFT, AlignGVGD) suggest that the Gly172Arg variant may impact th e protein. However, this information is not predictive enough to assume pathogen icity. In summary, the clinical significance of this variant cannot be determine d with at this time.